The following is an entry in ClinVar:

ClinVar aggregate classification (germline): Likely benign (0 of 4 stars; one submission).

Conditions:
CHP1-related disorder. Also called: CHP1-related condition.

Allele frequency attached by ClinVar (database versions not stated): gnomAD exomes 0.00002; ExAC 0.00003; TOPMed 0.00004; gnomAD 0.00005; 1000 Genomes Project 30x 0.00047; 1000 Genomes Project 0.00060.

Submission:

PreventionGenetics, part of Exact Sciences
Classification: Likely benign for CHP1-related condition. Last evaluated: 2019-02-26. Review status: no assertion criteria provided. Collection method: clinical testing. Allele origin: germline.
Comment: This variant is classified as likely benign based on ACMG/AMP sequence variant interpretation guidelines (Richards et al. 2015 PMID: 25741868, with internal and published modifications).

NM_007236.5(CHP1):c.112C>T (p.Leu38=)

Gene: CHP1 (calcineurin like EF-hand protein 1; plus strand). Cytogenetic location: 15q15.1.
Variant type: single nucleotide variant.
Coding change: c.112C>T on transcript NM_007236.5 (MANE Select); coding-DNA position 112, C replaced by T.
Protein change: p.Leu38=; no amino-acid change (leucine 38 retained).
Molecular consequence: synonymous variant.
Genome position (GRCh38, 1-based): chr15:41,243,711, C>T. VCF-style: chr15-41243711-C-T. GRCh37 (hg19) VCF-style: chr15-41535909-C-T.
Identifiers: ClinVar variation 3046627 (VCV003046627.2), dbSNP rs184393509, ClinGen allele CA7490257.